The following is an entry in ClinVar:

NM_000702.4(ATP1A2):c.1021T>C (p.Cys341Arg)

Gene: ATP1A2 (ATPase Na+/K+ transporting subunit alpha 2; plus strand). Cytogenetic location: 1q23.2.
Variant type: single nucleotide variant.
Coding change: c.1021T>C on transcript NM_000702.4 (MANE Select); coding-DNA position 1021, T replaced by C.
Protein change: p.Cys341Arg; replaces cysteine 341 with arginine.
Molecular consequence: missense variant.
Genome position (GRCh38, 1-based): chr1:160,128,655, T>C. VCF-style: chr1-160128655-T-C. GRCh37 (hg19) VCF-style: chr1-160098445-T-C.
Other names: short protein forms C341R.
Identifiers: ClinVar variation 3068468 (VCV003068468.2), dbSNP rs2524867724, ClinGen allele CA343239089.

ClinVar aggregate classification (germline): Likely pathogenic (1 of 4 stars; one submission).

Conditions:
Developmental and epileptic encephalopathy 98. Identifiers: MedGen C5562017, MONDO:0030472, OMIM 619605.

Submission:

Institute of Human Genetics, University of Leipzig Medical Center
Classification: Likely pathogenic for Developmental and epileptic encephalopathy 98. Last evaluated: 2024-03-28. Review status: criteria provided, single submitter. Criteria: ACMG Guidelines, 2015. Collection method: clinical testing. Allele origin: unknown. Inheritance: Autosomal dominant inheritance. Affected: yes.
Comment: Criteria applied: PM5_STR,PM2_SUP,PP2,PP3